The following is an entry in ClinVar:

NM_201525.4(ADGRG1):c.1130G>A (p.Cys377Tyr)

Gene: ADGRG1 (adhesion G protein-coupled receptor G1; plus strand). Cytogenetic location: 16q21.
Variant type: single nucleotide variant.
Coding change: c.1130G>A on transcript NM_201525.4 (MANE Select); coding-DNA position 1130, G replaced by A.
Protein change: p.Cys377Tyr; replaces cysteine 377 with tyrosine.
Molecular consequence: missense variant.
Genome position (GRCh38, 1-based): chr16:57,656,580, G>A. VCF-style: chr16-57656580-G-A. GRCh37 (hg19) VCF-style: chr16-57690492-G-A.
Other names: c.1130G>A, p.Cys377Tyr (NM_001145770.3, NM_001145771.3, NM_001145772.3 and 14 more transcripts); c.1145G>A, p.Cys382Tyr (NM_001145773.3, NM_001370433.1); c.620G>A, p.Cys207Tyr (NM_001290142.2); c.605G>A, p.Cys202Tyr (NM_001290143.2, NM_001290144.2, NM_001370451.1 and 2 more transcripts); c.1127G>A, p.Cys376Tyr (NM_001370434.1, NM_001370441.1); c.974G>A, p.Cys325Tyr (NM_001370442.1); short protein forms C202Y, C207Y, C325Y, C376Y, C377Y, C382Y.
Identifiers: ClinVar variation 1694798 (VCV001694798.31), dbSNP rs2148448205, ClinGen allele CA396048902.

ClinVar aggregate classification (germline): Uncertain significance (1 of 4 stars; one submission).

Submission:

CeGaT Center for Human Genetics Tuebingen
Classification: Uncertain significance. Last evaluated: 2023-05-01. Review status: criteria provided, single submitter. Criteria: CeGaT Center For Human Genetics Tuebingen Variant Classification Criteria Version 2. Collection method: clinical testing. Allele origin: germline. Affected: yes. Observed: 4 variant alleles.
Comment: ADGRG1: PM2, PM3, PP3